The following is an entry in ClinVar:

ClinVar aggregate classification (germline): Uncertain significance (1 of 4 stars; one submission).

Conditions:
Cardiovascular phenotype. Identifiers: MedGen CN230736.

Submission:

Ambry Genetics
Classification: Uncertain significance for Cardiovascular phenotype. Last evaluated: 2024-11-10. Review status: criteria provided, single submitter. Criteria: Ambry Variant Classification Scheme 2023. Collection method: clinical testing. Allele origin: germline.
Comment: The p.V634I variant (also known as c.1900G>A), located in coding exon 20 of the MYBPC3 gene, results from a G to A substitution at nucleotide position 1900. The valine at codon 634 is replaced by isoleucine, an amino acid with highly similar properties. This amino acid position is conserved. In addition, this alteration is predicted to be tolerated by in silico analysis. Based on the available evidence, the clinical significance of this variant remains unclear.

NM_000256.3(MYBPC3):c.1900G>A (p.Val634Ile)

Gene: MYBPC3 (myosin binding protein C3; minus strand). Cytogenetic location: 11p11.2.
Variant type: single nucleotide variant.
Coding change: c.1900G>A on transcript NM_000256.3 (MANE Select); coding-DNA position 1900, G replaced by A.
Protein change: p.Val634Ile; replaces valine 634 with isoleucine.
Molecular consequence: missense variant.
Genome position (GRCh38, 1-based): chr11:47,341,030, C>T on the plus strand (G>A on the coding strand, the complement: MYBPC3 is on the minus strand). VCF-style: chr11-47341030-C-T. GRCh37 (hg19) VCF-style: chr11-47362581-C-T.
Other names: short protein forms V634I.
Identifiers: ClinVar variation 3400429 (VCV003400429.1).